The following is an entry in ClinVar:

ClinVar aggregate classification (germline): Conflicting classifications of pathogenicity. Review status: criteria provided, conflicting classifications (1 of 4 stars). 2 submissions from 2 submitters: Likely pathogenic (1); Uncertain significance (1). Last evaluated 2024-11-27.

Conditions:
Congenital heart disease (CHD). Identifiers: MedGen C0152021, MONDO:0005453. Disease mechanism: unknown.
Neuromuscular disease. Also called: Neuromyopathy; Neuromuscular disorder. Identifiers: Orphanet 68381, MedGen C0027868, MeSH D009468, MONDO:0019056.

Submissions (2):

Broad Center for Mendelian Genomics, Broad Institute of MIT and Harvard
Classification: Uncertain significance for Neuromuscular disease. Last evaluated: 2024-11-27. Review status: criteria provided, single submitter. Criteria: ACMG Guidelines, 2015. Collection method: curation. Allele origin: germline. Inheritance: Autosomal dominant inheritance. Study: GREGoR Consortium.
Comment: In summary, additional evidence is needed to determine if p.Arg1003His may play a role in this individual's phenotypic presentation. If you have any additional information about functional evidence or other individuals with this phenotype that also have variants in SMC3 we encourage you to reach out to us.

Cambridge Genomics Laboratory, East Genomic Laboratory Hub, NHS Genomic Medicine Service
Classification: Likely pathogenic for Congenital heart disease. Last evaluated: 2020-04-02. Review status: criteria provided, single submitter. Criteria: ACGS Best Practice Guidelines for Variant Classification in Rare Disease 2020. Collection method: clinical testing. Allele origin: germline. Affected: yes. Observed: 1 variant allele.

NM_005445.4(SMC3):c.3008G>A (p.Arg1003His)

Gene: SMC3 (structural maintenance of chromosomes 3; plus strand). Cytogenetic location: 10q25.2.
Variant type: single nucleotide variant.
Coding change: c.3008G>A on transcript NM_005445.4 (MANE Select); coding-DNA position 3008, G replaced by A.
Protein change: p.Arg1003His; replaces arginine 1003 with histidine.
Molecular consequence: missense variant.
Genome position (GRCh38, 1-based): chr10:110,602,081, G>A. VCF-style: chr10-110602081-G-A. GRCh37 (hg19) VCF-style: chr10-112361839-G-A.
Other names: NM_005445.4:c.3008G>A; short protein forms R1003H.
Identifiers: ClinVar variation 3383328 (VCV003383328.2).